The following is an entry in ClinVar:

ClinVar aggregate classification (germline): Conflicting classifications of pathogenicity. Review status: criteria provided, conflicting classifications (1 of 4 stars). 2 submissions from 2 submitters: Uncertain significance (1); Likely benign (1). Last evaluated 2026-01-10.

Conditions:
Familial adenomatous polyposis 1 (FAP1). Also called: POLYPOSIS, ADENOMATOUS INTESTINAL; FAMILIAL ADENOMATOUS POLYPOSIS 1, ATTENUATED. Identifiers: MedGen C2713442, MONDO:0021056, OMIM 175100. Disease mechanism: loss of function.

Submissions (2):

Labcorp Genetics (formerly Invitae), Labcorp
Classification: Likely benign for Familial adenomatous polyposis 1. Last evaluated: 2026-01-10. Review status: criteria provided, single submitter. Criteria: Invitae Variant Classification Sherloc (09022015). Collection method: clinical testing. Allele origin: germline.

GeneDx
Classification: Uncertain significance. Last evaluated: 2019-07-03. Review status: criteria provided, single submitter. Criteria: GeneDx Variant Classification Process June 2021. Collection method: clinical testing. Allele origin: germline. Affected: yes.
Comment: Not observed in large population cohorts (Lek et al., 2016); In silico analysis, which includes splice predictors and evolutionary conservation, supports a deleterious effect

NM_000038.6(APC):c.835-11T>G

Gene: APC (APC regulator of Wnt signaling pathway; plus strand). Cytogenetic location: 5q22.2.
Variant type: single nucleotide variant.
Coding change: c.835-11T>G on transcript NM_000038.6 (MANE Select); 11 bases into the intron before coding-DNA position 835, T replaced by G.
Molecular consequence: intron variant.
Genome position (GRCh38, 1-based): chr5:112,815,484, T>G. VCF-style: chr5-112815484-T-G. GRCh37 (hg19) VCF-style: chr5-112151181-T-G.
Other names: c.835-11T>G (NM_001354895.2, NM_001127510.3, NM_001354896.2 and 1 more transcripts); c.865-11T>G (NM_001354897.2, NM_001354902.2); c.781-11T>G (NM_001127511.3); c.760-11T>G (NM_001354898.2, NM_001354904.2); c.-15-11T>G (NM_001354906.2); c.751-11T>G (NM_001354899.2); c.658-11T>G (NM_001354900.2, NM_001354901.2, NM_001354905.2).
Identifiers: ClinVar variation 1318776 (VCV001318776.3), dbSNP rs2149762145, ClinGen allele CA2573052385.